The following is an entry in ClinVar:

NM_002528.7(NTHL1):c.183G>C (p.Glu61Asp)

Gene: NTHL1 (nth like DNA glycosylase 1; minus strand). Cytogenetic location: 16p13.3.
Variant type: single nucleotide variant.
Coding change: c.183G>C on transcript NM_002528.7 (MANE Select); coding-DNA position 183, G replaced by C.
Protein change: p.Glu61Asp; replaces glutamic acid 61 with aspartic acid.
Molecular consequence: missense variant.
Genome position (GRCh38, 1-based): chr16:2,046,299, C>G on the plus strand (G>C on the coding strand, the complement: NTHL1 is on the minus strand). VCF-style: chr16-2046299-C-G. GRCh37 (hg19) VCF-style: chr16-2096300-C-G.
Other names: c.183G>C, p.Glu61Asp (NM_001318193.2); c.5G>C, p.Arg2Thr (NM_001318194.2); short protein forms E61D, R2T.
Identifiers: ClinVar variation 1045520 (VCV001045520.12), dbSNP rs1596223267, ClinGen allele CA394297727.

ClinVar aggregate classification (germline): Uncertain significance. Review status: criteria provided, multiple submitters, no conflicts (2 of 4 stars). 3 submissions from 3 submitters: Uncertain significance (3). Last evaluated 2023-09-21.

Conditions:
Hereditary cancer-predisposing syndrome. Also called: Hereditary Cancer Syndrome; Tumor predisposition; Hereditary neoplastic syndrome; Neoplastic Syndromes, Hereditary. Identifiers: Orphanet 140162, MedGen C0027672, MeSH D009386, MONDO:0015356.

Submissions (3):

Ambry Genetics
Classification: Uncertain significance for Hereditary cancer-predisposing syndrome. Last evaluated: 2023-09-21. Review status: criteria provided, single submitter. Criteria: Ambry Variant Classification Scheme 2023. Collection method: clinical testing. Allele origin: germline.
Comment: The p.E69D variant (also known as c.207G>C), located in coding exon 2 of the NTHL1 gene, results from a G to C substitution at nucleotide position 207. The glutamic acid at codon 69 is replaced by aspartic acid, an amino acid with highly similar properties. This amino acid position is highly conserved in available vertebrate species. In addition, this alteration is predicted to be tolerated by in silico analysis. Since supporting evidence is limited at this time, the clinical significance of this alteration remains unclear.

Labcorp Genetics (formerly Invitae), Labcorp
Classification: Uncertain significance. Last evaluated: 2023-07-08. Review status: criteria provided, single submitter. Criteria: Invitae Variant Classification Sherloc (09022015). Collection method: clinical testing. Allele origin: germline.
Comment: In summary, the available evidence is currently insufficient to determine the role of this variant in disease. Therefore, it has been classified as a Variant of Uncertain Significance. RNA analysis performed to evaluate the impact of this missense change on mRNA splicing indicates it does not significantly alter splicing (Invitae). An algorithm developed to predict the effect of missense changes on protein structure and function (PolyPhen-2) suggests that this variant is likely to be tolerated. ClinVar contains an entry for this variant (Variation ID: 1045520). This variant has not been reported in the literature in individuals affected with NTHL1-related conditions. This variant is not present in population databases (gnomAD no frequency). This sequence change replaces glutamic acid, which is acidic and polar, with aspartic acid, which is acidic and polar, at codon 69 of the NTHL1 protein (p.Glu69Asp).

Institute for Clinical Genetics, University Hospital TU Dresden, University Hospital TU Dresden
Classification: Uncertain significance. Last evaluated: 2021-11-03. Review status: criteria provided, single submitter. Criteria: ACMG Guidelines, 2015. Collection method: clinical testing. Allele origin: germline.